The following is an entry in ClinVar:

NM_001942.4(DSG1):c.2823C>T (p.Pro941=)

Genes: DSG1 (desmoglein 1; plus strand), DSG1-AS1 (DSG1 antisense RNA 1; minus strand). Cytogenetic location: 18q12.1.
Variant type: single nucleotide variant.
Coding change: c.2823C>T on transcript NM_001942.4 (MANE Select); coding-DNA position 2823, C replaced by T.
Protein change: p.Pro941=; no amino-acid change (proline 941 retained).
Molecular consequence: synonymous variant.
Genome position (GRCh38, 1-based): chr18:31,355,019, C>T. VCF-style: chr18-31355019-C-T. GRCh37 (hg19) VCF-style: chr18-28934982-C-T.
Other names: c.2823C>T (NM_001942.3).
Identifiers: ClinVar variation 1133444 (VCV001133444.34), dbSNP rs145643174, ClinGen allele CA8926456.

ClinVar aggregate classification (germline): Likely benign. Review status: criteria provided, multiple submitters, no conflicts (2 of 4 stars). 4 submissions from 4 submitters: Likely benign (3). 1 of the submissions does not count toward it. Last evaluated 2026-03-01.

Conditions:
DSG1-related disorder. Also called: DSG1-related condition.

Allele frequency attached by ClinVar (database versions not stated): ExAC 0.00058; 1000 Genomes Project 0.00060; gnomAD 0.00060 and 0.00066; 1000 Genomes Project 30x 0.00062; ESP Exome Variant Server 0.00069; gnomAD exomes 0.00074; TOPMed 0.00090.
gnomAD v4.1: 1,467 of 1,614,194 alleles (0.091%); highest among the groups gnomAD compares: Admixed American, 0.16%; 1 homozygote.

Submissions (4):

CeGaT Center for Human Genetics Tuebingen
Classification: Likely benign. Last evaluated: 2026-03-01. Review status: criteria provided, single submitter. Criteria: CeGaT Center For Human Genetics Tuebingen Variant Classification Criteria Version 2. Collection method: clinical testing. Allele origin: germline. Affected: yes. Observed: 2 variant alleles.
Comment: DSG1: BP4, BP7

Labcorp Genetics (formerly Invitae), Labcorp
Classification: Likely benign. Last evaluated: 2026-01-17. Review status: criteria provided, single submitter. Criteria: Invitae Variant Classification Sherloc (09022015). Collection method: clinical testing. Allele origin: germline.

Blueprint Genetics
Classification: Likely benign. Last evaluated: 2024-11-25. Review status: criteria provided, single submitter. Criteria: ACMG Guidelines, 2015. Collection method: clinical testing. Allele origin: germline.

PreventionGenetics, part of Exact Sciences
Classification: Benign for DSG1-related condition. Last evaluated: 2023-12-01. Review status: no assertion criteria provided. Collection method: clinical testing. Allele origin: germline. Not counted in ClinVar's aggregate classification.
Comment: This variant is classified as benign based on ACMG/AMP sequence variant interpretation guidelines (Richards et al. 2015 PMID: 25741868, with internal and published modifications).